The following is an entry in ClinVar:

NM_024652.6(LRRK1):c.78T>C (p.Arg26=)

Gene: LRRK1 (leucine rich repeat kinase 1; plus strand). Cytogenetic location: 15q26.3.
Variant type: single nucleotide variant.
Coding change: c.78T>C on transcript NM_024652.6 (MANE Select); coding-DNA position 78, T replaced by C.
Protein change: p.Arg26=; no amino-acid change (arginine 26 retained).
Molecular consequence: synonymous variant.
Genome position (GRCh38, 1-based): chr15:100,924,710, T>C. VCF-style: chr15-100924710-T-C. GRCh37 (hg19) VCF-style: chr15-101464915-T-C.
Other names: c.78T>C (NM_024652.5).
Identifiers: ClinVar variation 1599963 (VCV001599963.11), dbSNP rs11630691, ClinGen allele CA7760481.

ClinVar aggregate classification (germline): Benign. Review status: criteria provided, multiple submitters, no conflicts (2 of 4 stars). 3 submissions from 3 submitters: Benign (2). 1 of the submissions does not count toward it. Last evaluated 2026-02-04.

Conditions:
LRRK1-related disorder. Also called: LRRK1-related condition.

Allele frequency attached by ClinVar (database versions not stated): TOPMed 0.34959; gnomAD exomes 0.25464 and 0.26308; ExAC 0.26566; 1000 Genomes Project 0.34125; gnomAD 0.34784 and 0.34077; 1000 Genomes Project 30x 0.35103; ESP Exome Variant Server 0.37867.
gnomAD v4.1: 437,007 of 1,612,990 alleles (27%); highest among the groups gnomAD compares: African/African-American, 61%; 65,240 homozygotes.

Submissions (3):

Labcorp Genetics (formerly Invitae), Labcorp
Classification: Benign. Last evaluated: 2026-02-04. Review status: criteria provided, single submitter. Criteria: Invitae Variant Classification Sherloc (09022015). Collection method: clinical testing. Allele origin: germline.

Breakthrough Genomics
Classification: Benign. Review status: criteria provided, single submitter. Criteria: ACMG Guidelines, 2015. Collection method: not provided. Allele origin: germline. Inheritance: Autosomal recessive inheritance. Affected: yes.

PreventionGenetics, part of Exact Sciences
Classification: Benign for LRRK1-related condition. Last evaluated: 2024-05-16. Review status: no assertion criteria provided. Collection method: clinical testing. Allele origin: germline. Not counted in ClinVar's aggregate classification.
Comment: This variant is classified as benign based on ACMG/AMP sequence variant interpretation guidelines (Richards et al. 2015 PMID: 25741868, with internal and published modifications).